The following is an entry in ClinVar:

ClinVar aggregate classification (germline): Uncertain significance (1 of 4 stars; one submission).

Conditions:
Developmental and epileptic encephalopathy, 30 (DEE30). Also called: Epileptic encephalopathy, early infantile, 30. Identifiers: MedGen C4225360, MONDO:0014595, OMIM 616341.

Submission:

Labcorp Genetics (formerly Invitae), Labcorp
Classification: Uncertain significance for Developmental and epileptic encephalopathy, 30. Last evaluated: 2018-01-20. Review status: criteria provided, single submitter. Criteria: Invitae Variant Classification Sherloc (09022015). Collection method: clinical testing. Allele origin: germline.
Comment: This variant is not present in population databases (ExAC no frequency). This variant has not been reported in the literature in individuals with SIK1-related disease. Algorithms developed to predict the effect of missense changes on protein structure and function (SIFT, PolyPhen-2, Align-GVGD) all suggest that this variant is likely to be disruptive, but these predictions have not been confirmed by published functional studies and their clinical significance is uncertain. In summary, the available evidence is currently insufficient to determine the role of this variant in disease. Therefore, it has been classified as a Variant of Uncertain Significance. This sequence change replaces methionine with threonine at codon 78 of the SIK1 protein (p.Met78Thr). The methionine residue is highly conserved and there is a moderate physicochemical difference between methionine and threonine.

NM_173354.5(SIK1):c.233T>C (p.Met78Thr)

Gene: SIK1 (salt inducible kinase 1; minus strand). Cytogenetic location: 21q22.3.
Variant type: single nucleotide variant.
Coding change: c.233T>C on transcript NM_173354.5 (MANE Select); coding-DNA position 233, T replaced by C.
Protein change: p.Met78Thr; replaces methionine 78 with threonine.
Molecular consequence: missense variant.
Genome position (GRCh38, 1-based): chr21:43,425,447, A>G on the plus strand (T>C on the coding strand, the complement: SIK1 is on the minus strand). VCF-style: chr21-43425447-A-G. GRCh37 (hg19) VCF-style: chr21-44845327-A-G.
Other names: short protein forms M78T.
Identifiers: ClinVar variation 566332 (VCV000566332.9), dbSNP rs1569017480, ClinGen allele CA410610704.